The following is an entry in ClinVar:

ClinVar aggregate classification (germline): Uncertain significance (1 of 4 stars; one submission).

Conditions:
Charcot-Marie-Tooth disease dominant intermediate E. Also called: CHARCOT-MARIE-TOOTH NEUROPATHY WITH FOCAL SEGMENTAL GLOMERULONEPHRITIS. Identifiers: Orphanet 93114, MedGen C4302667, MONDO:0013758, OMIM 614455.
Focal segmental glomerulosclerosis 5 (FSGS5). Identifiers: Orphanet 656, MedGen C2750475, MONDO:0013191, OMIM 613237.

Submission:

Labcorp Genetics (formerly Invitae), Labcorp
Classification: Uncertain significance for Charcot-Marie-Tooth disease dominant intermediate E; Focal segmental glomerulosclerosis 5. Last evaluated: 2023-12-15. Review status: criteria provided, single submitter. Criteria: Invitae Variant Classification Sherloc (09022015). Collection method: clinical testing. Allele origin: germline.
Comment: This sequence change replaces glutamic acid, which is acidic and polar, with lysine, which is basic and polar, at codon 415 of the INF2 protein (p.Glu415Lys). This variant is not present in population databases (gnomAD no frequency). This variant has not been reported in the literature in individuals affected with INF2-related conditions. Advanced modeling of protein sequence and biophysical properties (such as structural, functional, and spatial information, amino acid conservation, physicochemical variation, residue mobility, and thermodynamic stability) performed at Invitae indicates that this missense variant is not expected to disrupt INF2 protein function with a negative predictive value of 95%. In summary, the available evidence is currently insufficient to determine the role of this variant in disease. Therefore, it has been classified as a Variant of Uncertain Significance.

NM_022489.4(INF2):c.1243G>A (p.Glu415Lys)

Gene: INF2 (inverted formin 2; plus strand). Cytogenetic location: 14q32.33.
Variant type: single nucleotide variant.
Coding change: c.1243G>A on transcript NM_022489.4 (MANE Select); coding-DNA position 1243, G replaced by A.
Protein change: p.Glu415Lys; replaces glutamic acid 415 with lysine.
Molecular consequence: missense variant.
Genome position (GRCh38, 1-based): chr14:104,707,510, G>A. VCF-style: chr14-104707510-G-A. GRCh37 (hg19) VCF-style: chr14-105173847-G-A.
Other names: c.1243G>A, p.Glu415Lys (NM_001031714.4, NM_001426862.1, NM_001426863.1 and 2 more transcripts); short protein forms E415K.
Identifiers: ClinVar variation 2939575 (VCV002939575.3), dbSNP rs2541918541, ClinGen allele CA391216283.